The following is an entry in ClinVar:

NM_020822.3(KCNT1):c.3346C>A (p.Leu1116Met)

Gene: KCNT1 (potassium sodium-activated channel subfamily T member 1; plus strand). Cytogenetic location: 9q34.3.
Variant type: single nucleotide variant.
Coding change: c.3346C>A on transcript NM_020822.3 (MANE Select); coding-DNA position 3346, C replaced by A.
Protein change: p.Leu1116Met; replaces leucine 1116 with methionine.
Molecular consequence: missense variant.
Genome position (GRCh38, 1-based): chr9:135,786,365, C>A. VCF-style: chr9-135786365-C-A. GRCh37 (hg19) VCF-style: chr9-138678211-C-A.
Other names: c.3211C>A, p.Leu1071Met (NM_001272003.2); c.3346C>A (NM_020822.2); short protein forms L1071M, L1116M.
Identifiers: ClinVar variation 2050751 (VCV002050751.6), dbSNP rs909782597, ClinGen allele CA201424185.

ClinVar aggregate classification (germline): Uncertain significance. Review status: criteria provided, multiple submitters, no conflicts (2 of 4 stars). 3 submissions from 3 submitters: Uncertain significance (3). Last evaluated 2025-09-14.

Conditions:
Autosomal dominant nocturnal frontal lobe epilepsy 5. Also called: CILIARY DYSKINESIA, PRIMARY, 28, WITHOUT SITUS INVERSUS; KCNT1-Related Epilepsy; CILIARY DYSKINESIA, PRIMARY, 28, WITH SITUS INVERSUS; Epilepsy, nocturnal frontal lobe, 5. Identifiers: Orphanet 98784, MedGen C3554306, MONDO:0014002, OMIM 615005.
Developmental and epileptic encephalopathy, 14 (DEE14). Also called: Early infantile epileptic encephalopathy 14. Identifiers: Orphanet 293181, MedGen C3554195, MONDO:0013989, OMIM 614959.

Submissions (3):

Labcorp Genetics (formerly Invitae), Labcorp
Classification: Uncertain significance for Autosomal dominant nocturnal frontal lobe epilepsy 5; Developmental and epileptic encephalopathy, 14. Last evaluated: 2025-09-14. Review status: criteria provided, single submitter. Criteria: Invitae Variant Classification Sherloc (09022015). Collection method: clinical testing. Allele origin: germline.
Comment: This sequence change replaces leucine, which is neutral and non-polar, with methionine, which is neutral and non-polar, at codon 1116 of the KCNT1 protein (p.Leu1116Met). This variant is not present in population databases (gnomAD no frequency). This variant has not been reported in the literature in individuals affected with KCNT1-related conditions. ClinVar contains an entry for this variant (Variation ID: 2050751). Invitae Evidence Modeling of protein sequence and biophysical properties (such as structural, functional, and spatial information, amino acid conservation, physicochemical variation, residue mobility, and thermodynamic stability) indicates that this missense variant is not expected to disrupt KCNT1 protein function with a negative predictive value of 80%. In summary, the available evidence is currently insufficient to determine the role of this variant in disease. Therefore, it has been classified as a Variant of Uncertain Significance.

Victorian Clinical Genetics Services, Murdoch Childrens Research Institute
Classification: Uncertain significance for Developmental and epileptic encephalopathy, 14. Last evaluated: 2024-10-09. Review status: criteria provided, single submitter. Criteria: ACMG Guidelines, 2015. Collection method: clinical testing. Allele origin: germline. Inheritance: Autosomal dominant inheritance. Affected: yes.
Comment: Based on the classification scheme VCGS_Germline_v1.3.4, this variant is classified as VUS-3B. Following criteria are met: 0101 - Gain of function is a known mechanism of disease in this gene and is associated with developmental and epileptic encephalopathy 14 (MIM#614959) and epilepsy, nocturnal frontal lobe 5 (MIM#615005). (I) 0107 - This gene is associated with autosomal dominant disease. (I) 0115 - Variants in this gene are known to have variable expressivity (PMID: 26740507). (I) 0200 - Variant is predicted to result in a missense amino acid change from leucine to methionine. (I) 0251 - This variant is heterozygous. (I) 0301 - Variant is absent from gnomAD (both v2 and v3). (SP) 0502 - Missense variant with conflicting in silico predictions and high conservation. (I) 0604 - Variant is not located in an established domain, motif, hotspot or informative constraint region. (I) 0705 - No comparable missense variants have previous evidence for pathogenicity. (I) 0809 - Previous evidence of pathogenicity for this variant is inconclusive. It has been reported once as a variant of uncertain significance by a clinical laboratory (ClinVar). (I) 0905 - No published segregation evidence has been identified for this variant. (I) 1007 - No published functional evidence has been identified for this variant. (I) 1208 - Inheritance information for this variant is not currently available in this individual. (I) Legend: (SP) - Supporting pathogenic, (I) - Information, (SB) - Supporting benign

Blueprint Genetics
Classification: Uncertain significance. Last evaluated: 2023-08-28. Review status: criteria provided, single submitter. Criteria: ACMG Guidelines, 2015. Collection method: clinical testing. Allele origin: germline.

Literature cited by the submitters: PubMed 26740507 (cited by Victorian Clinical Genetics Services, Murdoch Childrens Research Institute).